The following is an entry in ClinVar:

ClinVar aggregate classification (germline): Uncertain significance (1 of 4 stars; one submission).

gnomAD v4.1: 45 of 1,614,218 alleles (0.0028%); highest among the groups gnomAD compares: Non-Finnish European, 0.0037%; no homozygotes.

Submission:

Labcorp Genetics (formerly Invitae), Labcorp
Classification: Uncertain significance. Last evaluated: 2022-02-01. Review status: criteria provided, single submitter. Criteria: Invitae Variant Classification Sherloc (09022015). Collection method: clinical testing. Allele origin: germline.
Comment: In summary, the available evidence is currently insufficient to determine the role of this variant in disease. Therefore, it has been classified as a Variant of Uncertain Significance. Algorithms developed to predict the effect of missense changes on protein structure and function are either unavailable or do not agree on the potential impact of this missense change (SIFT: "Deleterious"; PolyPhen-2: "Benign"; Align-GVGD: "Class C0"). This variant has not been reported in the literature in individuals affected with TRPM1-related conditions. This variant is present in population databases (no rsID available, gnomAD 0.0009%). This sequence change replaces asparagine, which is neutral and polar, with lysine, which is basic and polar, at codon 1533 of the TRPM1 protein (p.Asn1533Lys).

NM_001252024.2(TRPM1):c.4665C>G (p.Asn1555Lys)

Gene: TRPM1 (transient receptor potential cation channel subfamily M member 1; minus strand). Cytogenetic location: 15q13.3.
Variant type: single nucleotide variant.
Coding change: c.4665C>G on transcript NM_001252024.2 (MANE Select); coding-DNA position 4665, C replaced by G.
Protein change: p.Asn1555Lys; replaces asparagine 1555 with lysine.
Molecular consequence: missense variant.
Genome position (GRCh38, 1-based): chr15:31,002,035, G>C on the plus strand (C>G on the coding strand, the complement: TRPM1 is on the minus strand). VCF-style: chr15-31002035-G-C. GRCh37 (hg19) VCF-style: chr15-31294238-G-C.
Other names: c.4716C>G, p.Asn1572Lys (NM_001252020.2); c.4599C>G, p.Asn1533Lys (NM_002420.6); short protein forms N1555K, N1572K, N1533K.
Identifiers: ClinVar variation 1938329 (VCV001938329.5), dbSNP rs754554298, ClinGen allele CA391521985.